The following is an entry in ClinVar:

NM_001111.5(ADAR):c.1654G>A (p.Gly552Arg)

Gene: ADAR (adenosine deaminase RNA specific; minus strand). Cytogenetic location: 1q21.3.
Variant type: single nucleotide variant.
Coding change: c.1654G>A on transcript NM_001111.5 (MANE Select); coding-DNA position 1654, G replaced by A.
Protein change: p.Gly552Arg; replaces glycine 552 with arginine.
Molecular consequence: missense variant.
Genome position (GRCh38, 1-based): chr1:154,598,533, C>T on the plus strand (G>A on the coding strand, the complement: ADAR is on the minus strand). VCF-style: chr1-154598533-C-T. GRCh37 (hg19) VCF-style: chr1-154571009-C-T.
Other names: c.769G>A, p.Gly257Arg (NM_001025107.3, NM_001193495.2, NM_001365046.1 and 3 more transcripts); c.1681G>A, p.Gly561Arg (NM_001365045.1); c.1654G>A, p.Gly552Arg (NM_015840.4, NM_015841.4); short protein forms G561R, G552R, G257R.
Identifiers: ClinVar variation 971027 (VCV000971027.9), dbSNP rs771516546, ClinGen allele CA1131503.

ClinVar aggregate classification (germline): Uncertain significance (1 of 4 stars; one submission).

Conditions:
Aicardi-Goutieres syndrome 6 (AGS6). Identifiers: Orphanet 51, MedGen C3539013, MONDO:0014007, OMIM 615010.
Symmetrical dyschromatosis of extremities (DSH). Also called: DYSCHROMATOSIS SYMMETRICA HEREDITARIA 1; RETICULATE ACROPIGMENTATION OF DOHI; SYMMETRIC DYSCHROMATOSIS OF THE EXTREMITIES; Dyschromatosis symmetrica hereditaria. Identifiers: Orphanet 41, MedGen C0406775, MONDO:0007483, OMIM 127400.

Allele frequency attached by ClinVar (database versions not stated): ExAC 0.00002; TOPMed 0.00001; gnomAD exomes 0.00002.
gnomAD v4.1: 25 of 1,614,218 alleles (0.0015%); highest among the groups gnomAD compares: Non-Finnish European, 0.0019%; no homozygotes.

Submission:

Labcorp Genetics (formerly Invitae), Labcorp
Classification: Uncertain significance for Aicardi-Goutieres syndrome 6; Symmetrical dyschromatosis of extremities. Last evaluated: 2025-06-22. Review status: criteria provided, single submitter. Criteria: Invitae Variant Classification Sherloc (09022015). Collection method: clinical testing. Allele origin: germline.
Comment: This sequence change replaces glycine, which is neutral and non-polar, with arginine, which is basic and polar, at codon 552 of the ADAR protein (p.Gly552Arg). This variant is present in population databases (rs771516546, gnomAD 0.003%). This variant has not been reported in the literature in individuals affected with ADAR-related conditions. ClinVar contains an entry for this variant (Variation ID: 971027). Invitae Evidence Modeling of protein sequence and biophysical properties (such as structural, functional, and spatial information, amino acid conservation, physicochemical variation, residue mobility, and thermodynamic stability) indicates that this missense variant is not expected to disrupt ADAR protein function with a negative predictive value of 80%. In summary, the available evidence is currently insufficient to determine the role of this variant in disease. Therefore, it has been classified as a Variant of Uncertain Significance.